The following is an entry in ClinVar:

NC_000003.11:g.(?_183853174)_(183856054_?)del

Gene: EIF2B5 (eukaryotic translation initiation factor 2B subunit epsilon; plus strand). Cytogenetic location: 3q27.1.
Variant type: Deletion.
Identifiers: ClinVar variation 3246991 (VCV003246991.1).

ClinVar aggregate classification (germline): Pathogenic (1 of 4 stars; one submission).

Submission:

Labcorp Genetics (formerly Invitae), Labcorp
Classification: Pathogenic. Last evaluated: 2023-08-25. Review status: criteria provided, single submitter. Criteria: Invitae Variant Classification Sherloc (09022015). Collection method: clinical testing. Allele origin: unknown.
Comment: This variant is a gross deletion of the genomic region encompassing exon(s) 1-5 of the EIF2B5 gene, which includes the initiator codon. This deletion extends beyond the assayed region for this gene and therefore may encompass additional genes. It is expected to result in an absent or disrupted protein product. Loss-of-function variants in EIF2B5 are known to be pathogenic (PMID: 11704758, 15060152, 21307862). This variant has not been reported in the literature in individuals affected with EIF2B5-related conditions. For these reasons, this variant has been classified as Pathogenic.

Literature cited by the submitters: PubMed 11704758; PubMed 15060152; PubMed 21307862.